The following is an entry in ClinVar:

ClinVar aggregate classification (germline): Uncertain significance (1 of 4 stars; one submission).

Conditions:
POLD1-related polyposis and colorectal cancer syndrome (CRCS10). Also called: Colorectal cancer 10; COLORECTAL CANCER, SUSCEPTIBILITY TO, ON CHROMOSOME 19q; Colorectal cancer, susceptibility to, 10. Identifiers: Orphanet 220460, MedGen C2675481, MONDO:0012953, OMIM 612591.

Allele frequency attached by ClinVar (database versions not stated): gnomAD exomes below 0.00001.
gnomAD v4.1: 1 of 1,596,948 alleles (0.000063%); highest among the groups gnomAD compares: Non-Finnish European, 0.000085%; no homozygotes.

Submission:

Labcorp Genetics (formerly Invitae), Labcorp
Classification: Uncertain significance for POLD1-related polyposis and colorectal cancer syndrome. Last evaluated: 2022-05-20. Review status: criteria provided, single submitter. Criteria: Invitae Variant Classification Sherloc (09022015). Collection method: clinical testing. Allele origin: germline.
Comment: In summary, the available evidence is currently insufficient to determine the role of this variant in disease. Therefore, it has been classified as a Variant of Uncertain Significance. Algorithms developed to predict the effect of sequence changes on RNA splicing suggest that this variant may create or strengthen a splice site. This variant has not been reported in the literature in individuals affected with POLD1-related conditions. This variant is not present in population databases (gnomAD no frequency). This sequence change falls in intron 15 of the POLD1 gene. It does not directly change the encoded amino acid sequence of the POLD1 protein.

NM_002691.4(POLD1):c.1892+19C>T

Gene: POLD1 (DNA polymerase delta 1, catalytic subunit; plus strand). Cytogenetic location: 19q13.33.
Variant type: single nucleotide variant.
Coding change: c.1892+19C>T on transcript NM_002691.4 (MANE Select); 19 bases into the intron after coding-DNA position 1892, C replaced by T.
Molecular consequence: intron variant.
Genome position (GRCh38, 1-based): chr19:50,408,920, C>T. VCF-style: chr19-50408920-C-T. GRCh37 (hg19) VCF-style: chr19-50912177-C-T.
Other names: c.1892+19C>T (NM_001256849.1); c.1970+19C>T (NM_001308632.1).
Identifiers: ClinVar variation 1948571 (VCV001948571.5), dbSNP rs2122371507, ClinGen allele CA2576862355.